The following is an entry in ClinVar:

ClinVar aggregate classification (germline): Uncertain significance (1 of 4 stars; one submission).

Conditions:
Congenital contractural arachnodactyly (CCA). Also called: BEALS SYNDROME; Arthrogryposis, distal, type 9; Beals-Hecht syndrome. Identifiers: Orphanet 115, MedGen C0220668, MONDO:0007363, OMIM 121050.

Allele frequency attached by ClinVar (database versions not stated): gnomAD exomes below 0.00001; TOPMed below 0.00001; gnomAD 0.00002.
gnomAD v4.1: 4 of 1,613,856 alleles (0.00025%); highest among the groups gnomAD compares: African/African-American, 0.0027%; no homozygotes.

Submission:

Labcorp Genetics (formerly Invitae), Labcorp
Classification: Uncertain significance for Congenital contractural arachnodactyly. Last evaluated: 2025-12-21. Review status: criteria provided, single submitter. Criteria: Invitae Variant Classification Sherloc (09022015). Collection method: clinical testing. Allele origin: germline.
Comment: This sequence change replaces serine, which is neutral and polar, with glycine, which is neutral and non-polar, at codon 2594 of the FBN2 protein (p.Ser2594Gly). This variant is present in population databases (no rsID available, gnomAD 0.007%). This variant has not been reported in the literature in individuals affected with FBN2-related conditions. ClinVar contains an entry for this variant (Variation ID: 947852). Invitae Evidence Modeling of protein sequence and biophysical properties (such as structural, functional, and spatial information, amino acid conservation, physicochemical variation, residue mobility, and thermodynamic stability) indicates that this missense variant is not expected to disrupt FBN2 protein function with a negative predictive value of 80%. In summary, the available evidence is currently insufficient to determine the role of this variant in disease. Therefore, it has been classified as a Variant of Uncertain Significance.

NM_001999.4(FBN2):c.7780A>G (p.Ser2594Gly)

Gene: FBN2 (fibrillin 2; minus strand). Cytogenetic location: 5q23.3.
Variant type: single nucleotide variant.
Coding change: c.7780A>G on transcript NM_001999.4 (MANE Select); coding-DNA position 7780, A replaced by G.
Protein change: p.Ser2594Gly; replaces serine 2594 with glycine.
Molecular consequence: missense variant.
Genome position (GRCh38, 1-based): chr5:128,273,900, T>C on the plus strand (A>G on the coding strand, the complement: FBN2 is on the minus strand). VCF-style: chr5-128273900-T-C. GRCh37 (hg19) VCF-style: chr5-127609592-T-C.
Other names: short protein forms S2594G.
Identifiers: ClinVar variation 947852 (VCV000947852.10), dbSNP rs1430209734, ClinGen allele CA360752593.